The following is an entry in ClinVar:

NM_000760.4(CSF3R):c.2213C>T (p.Thr738Ile)

Gene: CSF3R (colony stimulating factor 3 receptor; minus strand). Cytogenetic location: 1p34.3.
Variant type: single nucleotide variant.
Coding change: c.2213C>T on transcript NM_000760.4 (MANE Select); coding-DNA position 2213, C replaced by T.
Protein change: p.Thr738Ile; replaces threonine 738 with isoleucine.
Molecular consequence: missense variant.
Genome position (GRCh38, 1-based): chr1:36,466,655, G>A on the plus strand (C>T on the coding strand, the complement: CSF3R is on the minus strand). VCF-style: chr1-36466655-G-A. GRCh37 (hg19) VCF-style: chr1-36932256-G-A.
Other names: c.2294C>T, p.Thr765Ile (NM_156039.3); c.2213C>T, p.Thr738Ile (NM_172313.3); short protein forms T738I, T765I.
Identifiers: ClinVar variation 3666210 (VCV003666210.2).

ClinVar aggregate classification (germline): Uncertain significance (1 of 4 stars; one submission).

Conditions:
Autosomal recessive severe congenital neutropenia due to CSF3R deficiency. Also called: Neutropenia, severe congenital, 7, autosomal recessive. Identifiers: Orphanet 420702, MedGen C4310764, MONDO:0014865, OMIM 617014.

Submission:

Labcorp Genetics (formerly Invitae), Labcorp
Classification: Uncertain significance for Autosomal recessive severe congenital neutropenia due to CSF3R deficiency. Last evaluated: 2025-01-21. Review status: criteria provided, single submitter. Criteria: Invitae Variant Classification Sherloc (09022015). Collection method: clinical testing. Allele origin: germline.
Comment: This sequence change replaces threonine, which is neutral and polar, with isoleucine, which is neutral and non-polar, at codon 738 of the CSF3R protein (p.Thr738Ile). This variant is not present in population databases (gnomAD no frequency). This variant has not been reported in the literature in individuals affected with CSF3R-related conditions. Invitae Evidence Modeling of protein sequence and biophysical properties (such as structural, functional, and spatial information, amino acid conservation, physicochemical variation, residue mobility, and thermodynamic stability) indicates that this missense variant is not expected to disrupt CSF3R protein function with a negative predictive value of 80%. In summary, the available evidence is currently insufficient to determine the role of this variant in disease. Therefore, it has been classified as a Variant of Uncertain Significance.